The following is an entry in ClinVar:

NM_012096.3(APPL1):c.328G>A (p.Ala110Thr)

Gene: APPL1 (adaptor protein, phosphotyrosine interacting with PH domain and leucine zipper 1; plus strand). Cytogenetic location: 3p14.3.
Variant type: single nucleotide variant.
Coding change: c.328G>A on transcript NM_012096.3 (MANE Select); coding-DNA position 328, G replaced by A.
Protein change: p.Ala110Thr; replaces alanine 110 with threonine.
Molecular consequence: missense variant.
Genome position (GRCh38, 1-based): chr3:57,240,507, G>A. VCF-style: chr3-57240507-G-A. GRCh37 (hg19) VCF-style: chr3-57274535-G-A.
Other names: short protein forms A110T.
Identifiers: ClinVar variation 3607634 (VCV003607634.2).
Genomic context (GRCh38, chr3:57,240,507, plus strand): 5'-TGGTCTTTCTTTTTCTAGCTTAGCTCTTGTCATGCAGTGCTTTCAACTCAACTTGCTGAT[G>A]CCATGATGTTCCCCATTACCCAGTTTAAAGAAAGAGATCTGAAAGGTATTGAAGTCAAGC-3'
Protein context (NP_036228.1, residues 100-120): HAVLSTQLAD[Ala110Thr]MMFPITQFKE

ClinVar aggregate classification (germline): Uncertain significance (1 of 4 stars; one submission).

gnomAD v4.1: 28 of 1,613,686 alleles (0.0017%); highest among the groups gnomAD compares: Non-Finnish European, 0.0023%; no homozygotes.

Submission:

Labcorp Genetics (formerly Invitae), Labcorp
Classification: Uncertain significance. Last evaluated: 2024-07-03. Review status: criteria provided, single submitter. Criteria: Invitae Variant Classification Sherloc (09022015). Collection method: clinical testing. Allele origin: germline.
Comment: This sequence change replaces alanine, which is neutral and non-polar, with threonine, which is neutral and polar, at codon 110 of the APPL1 protein (p.Ala110Thr). This variant is present in population databases (rs369970448, gnomAD 0.007%). This variant has not been reported in the literature in individuals affected with APPL1-related conditions. Advanced modeling of protein sequence and biophysical properties (such as structural, functional, and spatial information, amino acid conservation, physicochemical variation, residue mobility, and thermodynamic stability) performed at Invitae indicates that this missense variant is not expected to disrupt APPL1 protein function with a negative predictive value of 80%. In summary, the available evidence is currently insufficient to determine the role of this variant in disease. Therefore, it has been classified as a Variant of Uncertain Significance.